The following is an entry in ClinVar:

NM_005751.5(AKAP9):c.8654C>T (p.Ser2885Leu)

Gene: AKAP9 (A-kinase anchoring protein 9; plus strand). Cytogenetic location: 7q21.2.
Variant type: single nucleotide variant.
Coding change: c.8654C>T on transcript NM_005751.5 (MANE Select); coding-DNA position 8654, C replaced by T.
Protein change: p.Ser2885Leu; replaces serine 2885 with leucine.
Molecular consequence: missense variant.
Genome position (GRCh38, 1-based): chr7:92,084,647, C>T. VCF-style: chr7-92084647-C-T. GRCh37 (hg19) VCF-style: chr7-91713961-C-T.
Other names: c.3299C>T, p.Ser1100Leu (NM_001379277.1); c.8630C>T, p.Ser2877Leu (NM_147185.3); short protein forms S2877L, S1100L, S2885L.
Identifiers: ClinVar variation 1039310 (VCV001039310.13), dbSNP rs759179468, ClinGen allele CA4337545.

ClinVar aggregate classification (germline): Uncertain significance. Review status: criteria provided, multiple submitters, no conflicts (2 of 4 stars). 4 submissions from 4 submitters: Uncertain significance (4). Last evaluated 2026-05-11.

Conditions:
Long QT syndrome (LQTS). Identifiers: MedGen C0023976, MeSH D008133, MONDO:0002442. Disease mechanism: loss of function. Inheritance: Various modes of inheritance.
Cardiovascular phenotype. Identifiers: MedGen CN230736.
Long QT syndrome 11 (LQT11). Identifiers: Orphanet 101016, Orphanet 768, MedGen C2678483, MONDO:0012738, OMIM 611820.

Allele frequency attached by ClinVar (database versions not stated): gnomAD 0.00006 and 0.00005; gnomAD exomes 0.00002 and 0.00007; ExAC 0.00003; TOPMed 0.00006.
gnomAD v4.1: 120 of 1,607,830 alleles (0.0075%); highest among the groups gnomAD compares: Non-Finnish European, 0.0093%; no homozygotes.

Submissions (4):

Women's Health and Genetics/Laboratory Corporation of America, LabCorp
Classification: Uncertain significance. Last evaluated: 2026-05-11. Review status: criteria provided, single submitter. Criteria: LabCorp Variant Classification Summary - May 2015. Collection method: clinical testing. Allele origin: germline.
Comment: Variant summary: AKAP9 c.8654C>T (p.Ser2885Leu) results in a non-conservative amino acid change in the encoded protein sequence. Algorithms developed to predict the effect of missense changes on protein structure and function are either unavailable or do not agree on the potential impact of this missense change. The variant allele was found at a frequency of 2e-05 in 250278 control chromosomes. The available data on variant occurrences in the general population are insufficient to allow any conclusion about variant significance. To our knowledge, no occurrence of c.8654C>T in individuals affected with AKAP9-related conditions and no experimental evidence demonstrating its impact on protein function have been reported. ClinVar contains an entry for this variant (Variation ID: 1039310). Based on the evidence outlined above, the variant was classified as uncertain significance.

Ambry Genetics
Classification: Uncertain significance for Cardiovascular phenotype. Last evaluated: 2025-03-31. Review status: criteria provided, single submitter. Criteria: Ambry Variant Classification Scheme 2023. Collection method: clinical testing. Allele origin: germline.
Comment: The p.S2885L variant (also known as c.8654C>T), located in coding exon 34 of the AKAP9 gene, results from a C to T substitution at nucleotide position 8654. The serine at codon 2885 is replaced by leucine, an amino acid with dissimilar properties. This amino acid position is not well conserved in available vertebrate species. In addition, this alteration is predicted to be tolerated by in silico analysis. The evidence for this gene-disease relationship is limited; therefore, the clinical significance of this alteration is unclear.

Labcorp Genetics (formerly Invitae), Labcorp
Classification: Uncertain significance for Long QT syndrome. Last evaluated: 2024-10-27. Review status: criteria provided, single submitter. Criteria: Invitae Variant Classification Sherloc (09022015). Collection method: clinical testing. Allele origin: germline.
Comment: This sequence change replaces serine, which is neutral and polar, with leucine, which is neutral and non-polar, at codon 2885 of the AKAP9 protein (p.Ser2885Leu). This variant is present in population databases (rs759179468, gnomAD 0.004%). This variant has not been reported in the literature in individuals affected with AKAP9-related conditions. ClinVar contains an entry for this variant (Variation ID: 1039310). An algorithm developed to predict the effect of missense changes on protein structure and function (PolyPhen-2) suggests that this variant is likely to be tolerated. In summary, the available evidence is currently insufficient to determine the role of this variant in disease. Therefore, it has been classified as a Variant of Uncertain Significance.

Fulgent Genetics
Classification: Uncertain significance for Long QT syndrome 11. Last evaluated: 2021-10-06. Review status: criteria provided, single submitter. Criteria: ACMG Guidelines, 2015. Collection method: clinical testing. Allele origin: unknown.